The following is an entry in ClinVar:

NM_004817.4(TJP2):c.1750G>A (p.Val584Met)

Gene: TJP2 (tight junction protein 2; plus strand). Cytogenetic location: 9q21.11.
Variant type: single nucleotide variant.
Coding change: c.1750G>A on transcript NM_004817.4 (MANE Select); coding-DNA position 1750, G replaced by A.
Protein change: p.Val584Met; replaces valine 584 with methionine.
Molecular consequence: missense variant.
Genome position (GRCh38, 1-based): chr9:69,234,517, G>A. VCF-style: chr9-69234517-G-A. GRCh37 (hg19) VCF-style: chr9-71849433-G-A.
Other names: c.1681G>A, p.Val561Met (NM_001170414.2, NM_001369871.1); c.1762G>A, p.Val588Met (NM_001170415.1, NM_001369874.1, NM_001369875.1); c.1843G>A, p.Val615Met (NM_001170416.2); c.1675G>A, p.Val559Met (NM_001369870.1); c.1750G>A, p.Val584Met (NM_001369872.1, NM_001369873.1, NM_201629.3); short protein forms V559M, V561M, V584M, V588M, V615M.
Identifiers: ClinVar variation 3902981 (VCV003902981.1).

ClinVar aggregate classification (germline): Uncertain significance (1 of 4 stars; one submission).

Submission:

GeneDx
Classification: Uncertain significance. Last evaluated: 2024-12-16. Review status: criteria provided, single submitter. Criteria: GeneDx Variant Classification Process June 2021. Collection method: clinical testing. Allele origin: germline. Affected: yes.
Comment: In silico analysis indicates that this missense variant does not alter protein structure/function; Has not been previously published as pathogenic or benign to our knowledge